The following is an entry in ClinVar:

ClinVar aggregate classification (germline): Uncertain significance (1 of 4 stars; one submission).

Conditions:
Kabuki syndrome 2 (KABUK2). Also called: KDM6A-Related Kabuki Syndrome. Identifiers: Orphanet 2322, MedGen C3275495, MONDO:0010465, OMIM 300867.

Allele frequency attached by ClinVar (database versions not stated): gnomAD exomes below 0.00001; ExAC 0.00001.
gnomAD v4.1: 3 of 1,177,581 alleles (0.00025%); highest among the groups gnomAD compares: Non-Finnish European, 0.00035%; no homozygotes.

Submission:

Labcorp Genetics (formerly Invitae), Labcorp
Classification: Uncertain significance for Kabuki syndrome 2. Last evaluated: 2023-10-16. Review status: criteria provided, single submitter. Criteria: Invitae Variant Classification Sherloc (09022015). Collection method: clinical testing. Allele origin: germline.
Comment: This sequence change replaces glycine, which is neutral and non-polar, with serine, which is neutral and polar, at codon 451 of the KDM6A protein (p.Gly451Ser). The frequency data for this variant in the population databases is considered unreliable, as metrics indicate poor data quality at this position in the gnomAD database. This variant has not been reported in the literature in individuals affected with KDM6A-related conditions. Advanced modeling of protein sequence and biophysical properties (such as structural, functional, and spatial information, amino acid conservation, physicochemical variation, residue mobility, and thermodynamic stability) performed at Invitae indicates that this missense variant is not expected to disrupt KDM6A protein function. In summary, the available evidence is currently insufficient to determine the role of this variant in disease. Therefore, it has been classified as a Variant of Uncertain Significance.

NM_001291415.2(KDM6A):c.1507G>A (p.Gly503Ser)

Gene: KDM6A (lysine demethylase 6A; plus strand). Cytogenetic location: Xp11.3.
Variant type: single nucleotide variant.
Coding change: c.1507G>A on transcript NM_001291415.2 (MANE Select); coding-DNA position 1507, G replaced by A.
Protein change: p.Gly503Ser; replaces glycine 503 with serine.
Molecular consequence: missense variant. On other transcripts: non-coding transcript variant (1).
Genome position (GRCh38, 1-based): chrX:45,061,345, G>A. VCF-style: chrX-45061345-G-A. GRCh37 (hg19) VCF-style: chrX-44920590-G-A.
Other names: c.1351G>A, p.Gly451Ser (NM_001419812.1, NM_001419814.1, NM_021140.4 and 1 more transcripts); c.1507G>A, p.Gly503Ser (NM_001419813.1, NM_001419809.1, NM_001419810.1); c.1216G>A, p.Gly406Ser (NM_001419815.1, NM_001291417.2, NM_001291418.2); c.1372G>A, p.Gly458Ser (NM_001291416.2, NM_001419811.1); c.463G>A, p.Gly155Ser (NM_001291421.2); short protein forms G503S, G406S, G458S, G155S, G451S.
Identifiers: ClinVar variation 2985874 (VCV002985874.3), dbSNP rs766555965, ClinGen allele CA10392358.